The following is an entry in ClinVar:

NM_000214.3(JAG1):c.784T>C (p.Cys262Arg)

Gene: JAG1 (jagged canonical Notch ligand 1; minus strand). Cytogenetic location: 20p12.2.
Variant type: single nucleotide variant.
Coding change: c.784T>C on transcript NM_000214.3 (MANE Select); coding-DNA position 784, T replaced by C.
Protein change: p.Cys262Arg; replaces cysteine 262 with arginine.
Molecular consequence: missense variant.
Genome position (GRCh38, 1-based): chr20:10,652,570, A>G on the plus strand (T>C on the coding strand, the complement: JAG1 is on the minus strand). VCF-style: chr20-10652570-A-G. GRCh37 (hg19) VCF-style: chr20-10633218-A-G.
Other names: short protein forms C262R.
Identifiers: ClinVar variation 3573096 (VCV003573096.2).
Genomic context (GRCh38, chr20:10,652,570, plus strand): 5'-ACTGCCAGGGCTCATTACAGATGCCGTGGACGCATCCCGGGTGTGGGATGCACTTATCAC[A>G]GTACAGGCCTTGCCAGCCGTACTGGCACCTGGAGACACACAGCACACCTCCAGGTTAGCC-3'
Protein context (NP_000205.1, residues 252-272): RCQYGWQGLY[Cys262Arg]DKCIPHPGCV

Conditions:
Arteriohepatic dysplasia. Also called: Alagille Syndrome. Identifiers: Orphanet 52, MedGen C0085280, MeSH D016738, MONDO:0007318.

Submission:

Gilbert/Spinner Lab, Children's Hospital of Philadelphia
No classification provided (evidence only). Condition: Alagille syndrome. Review status: no classification provided. Collection method: research. Allele origin: not applicable. Functional consequence: functionally_abnormal.
ClinVar note: "not provided" was previously submitted as the classification for the variant. However, the classification appeared to be based only on an observation of functional data so it was converted to no classification on 2025-07-30.